The following is an entry in ClinVar:

NM_024426.6(WT1):c.965+85A>G

Gene: WT1 (WT1 transcription factor; minus strand). Cytogenetic location: 11p13.
Variant type: single nucleotide variant.
Coding change: c.965+85A>G on transcript NM_024426.6 (MANE Select); 85 bases into the intron after coding-DNA position 965, A replaced by G.
Molecular consequence: intron variant. On other transcripts: non-coding transcript variant (2).
Genome position (GRCh38, 1-based): chr11:32,417,492, T>C on the plus strand (A>G on the coding strand, the complement: WT1 is on the minus strand). VCF-style: chr11-32417492-T-C. GRCh37 (hg19) VCF-style: chr11-32439038-T-C.
Other names: c.842+85A>G (NM_001407050.1, NM_001407047.1); c.965+85A>G (NM_001407048.1, NM_001407049.1, NM_000378.6 and 4 more transcripts); c.203+85A>G (NM_001407051.1); c.314+85A>G (NM_001198552.2, NM_001198551.2).
Identifiers: ClinVar variation 1226513 (VCV001226513.7), dbSNP rs2295081, ClinGen allele CA13458861.

ClinVar aggregate classification (germline): Benign. Review status: criteria provided, multiple submitters, no conflicts (2 of 4 stars). 3 submissions from 3 submitters: Benign (3). Last evaluated 2024-07-15.

Allele frequency attached by ClinVar (database versions not stated): gnomAD 0.33674 and 0.34590; TOPMed 0.36364; 1000 Genomes Project 30x 0.49079; 1000 Genomes Project 0.49621.
gnomAD v4.1: 363,143 of 1,265,104 alleles (29%); highest among the groups gnomAD compares: East Asian, 69%; 62,008 homozygotes.

Submissions (3):

Unidad de Genómica Garrahan, Hospital de Pediatría Garrahan
Classification: Benign. Last evaluated: 2024-07-15. Review status: criteria provided, single submitter. Criteria: ACMG Guidelines, 2015. Collection method: clinical testing. Allele origin: germline. Affected: no. Observed: 53 variant alleles.
Comment: This variant is classified as Benign based on local population frequency. This variant was detected in 57% of patients studied in a panel designed for Epileptic and Developmental Encephalopathy and Progressive Myoclonus Epilepsy. Number of patients: 53. Only high quality variants are reported.

GeneDx
Classification: Benign. Last evaluated: 2018-06-24. Review status: criteria provided, single submitter. Criteria: GeneDx Variant Classification Process June 2021. Collection method: clinical testing. Allele origin: germline. Affected: yes.

Breakthrough Genomics
Classification: Benign. Review status: criteria provided, single submitter. Criteria: ACMG Guidelines, 2015. Collection method: not provided. Allele origin: germline. Inheritance: Autosomal dominant inheritance. Affected: yes.